The following is an entry in ClinVar:

NM_018136.5(ASPM):c.403A>G (p.Ile135Val)

Gene: ASPM (assembly factor for spindle microtubules; minus strand). Cytogenetic location: 1q31.3.
Variant type: single nucleotide variant.
Coding change: c.403A>G on transcript NM_018136.5 (MANE Select); coding-DNA position 403, A replaced by G.
Protein change: p.Ile135Val; replaces isoleucine 135 with valine.
Molecular consequence: missense variant.
Genome position (GRCh38, 1-based): chr1:197,143,995, T>C on the plus strand (A>G on the coding strand, the complement: ASPM is on the minus strand). VCF-style: chr1-197143995-T-C. GRCh37 (hg19) VCF-style: chr1-197113125-T-C.
Other names: c.403A>G, p.Ile135Val (NM_001206846.2); short protein forms I135V.
Identifiers: ClinVar variation 1423476 (VCV001423476.6), dbSNP rs1218695206, ClinGen allele CA344021034.

ClinVar aggregate classification (germline): Uncertain significance (1 of 4 stars; one submission).

Allele frequency attached by ClinVar (database versions not stated): TOPMed below 0.00001; gnomAD 0.00001; gnomAD exomes 0.00001.
gnomAD v4.1: 33 of 1,609,460 alleles (0.0021%); highest among the groups gnomAD compares: Non-Finnish European, 0.0027%; no homozygotes.

Submission:

Labcorp Genetics (formerly Invitae), Labcorp
Classification: Uncertain significance. Last evaluated: 2025-09-23. Review status: criteria provided, single submitter. Criteria: Invitae Variant Classification Sherloc (09022015). Collection method: clinical testing. Allele origin: germline.
Comment: This sequence change replaces isoleucine, which is neutral and non-polar, with valine, which is neutral and non-polar, at codon 135 of the ASPM protein (p.Ile135Val). This variant is present in population databases (no rsID available, gnomAD 0.003%). This variant has not been reported in the literature in individuals affected with ASPM-related conditions. ClinVar contains an entry for this variant (Variation ID: 1423476). Invitae Evidence Modeling of protein sequence and biophysical properties (such as structural, functional, and spatial information, amino acid conservation, physicochemical variation, residue mobility, and thermodynamic stability) indicates that this missense variant is not expected to disrupt ASPM protein function with a negative predictive value of 80%. In summary, the available evidence is currently insufficient to determine the role of this variant in disease. Therefore, it has been classified as a Variant of Uncertain Significance.